The following is an entry in ClinVar:

NM_001365276.2(TNXB):c.12379G>A (p.Glu4127Lys)

Genes: TNXB (tenascin XB; minus strand), LOC106780803 (tenascin XB recombination region; plus strand). Cytogenetic location: 6p21.33.
Variant type: single nucleotide variant.
Coding change: c.12379G>A on transcript NM_001365276.2 (MANE Select); coding-DNA position 12379, G replaced by A.
Protein change: p.Glu4127Lys; replaces glutamic acid 4127 with lysine.
Molecular consequence: missense variant.
Genome position (GRCh38, 1-based): chr6:32,042,102, C>T on the plus strand (G>A on the coding strand, the complement: TNXB is on the minus strand). VCF-style: chr6-32042102-C-T. GRCh37 (hg19) VCF-style: chr6-32009879-C-T.
Other names: p.Glu4125Lys; c.13120G>A, p.Glu4374Lys (NM_001428335.1); c.12373G>A, p.Glu4125Lys (NM_019105.8); c.1666G>A, p.Glu556Lys (NM_032470.4); c.12373G>A (NM_019105.6); short protein forms E4125K, E4127K, E4374K, E556K.
Identifiers: ClinVar variation 3379655 (VCV003379655.2).
Genomic context (GRCh38, chr6:32,042,102, plus strand): 5'-GGCGGTAGTACTCCGCAGCCGAGTCTACGTGGAAGGAGTCGTACTGGGCGAACACAGCCT[C>T]GTCCCCAGCCCGCAGGTCCACGCGCATGGAGTAGTCACCTGCCTGTGTCAGGCTGTGCAG-3'
Protein context (NP_001352205.1, residues 4117-4137): SMRVDLRAGD[Glu4127Lys]AVFAQYDSFH

ClinVar aggregate classification (germline): Uncertain significance. Review status: criteria provided, multiple submitters, no conflicts (2 of 4 stars). 2 submissions from 2 submitters: Uncertain significance (2). Last evaluated 2026-02-16.

Conditions:
TNXB-related disorder. Also called: TNXB-related condition.

gnomAD v4.1: 38 of 575,710 alleles (0.0066%); highest among the groups gnomAD compares: South Asian, 0.015%; no homozygotes.

Submissions (2):

PreventionGenetics, part of Exact Sciences
Classification: Uncertain significance for TNXB-related condition. Last evaluated: 2026-02-16. Review status: criteria provided, single submitter. Criteria: ACMG Guidelines, 2015. Collection method: clinical testing. Allele origin: germline.
Comment: The TNXB c.12373G>A variant is predicted to result in the amino acid substitution p.Glu4125Lys. This variant has been reported in a sudden cardiac arrest survivor (Asatryan et al. 2019. PubMed ID: 30975432). This variant is reported in 0.022% of alleles in individuals of South Asian descent in the large population variant database gnomAD. This variant falls within a highly paralogous region. Allele frequency data should be interpreted with caution. At this time, the clinical significance of this variant is uncertain due to the absence of conclusive functional and genetic evidence.

Mayo Clinic Laboratories, Mayo Clinic
Classification: Uncertain significance. Last evaluated: 2023-12-29. Review status: criteria provided, single submitter. Criteria: ACMG Guidelines, 2015. Collection method: clinical testing. Allele origin: germline. Observed: 1 variant allele.

Literature cited by the submitters: PubMed 30975432 (cited by Mayo Clinic Laboratories, Mayo Clinic).